The following is an entry in ClinVar:

NM_004268.5(MED17):c.898A>G (p.Asn300Asp)

Gene: MED17 (mediator complex subunit 17; plus strand). Cytogenetic location: 11q21.
Variant type: single nucleotide variant.
Coding change: c.898A>G on transcript NM_004268.5 (MANE Select); coding-DNA position 898, A replaced by G.
Protein change: p.Asn300Asp; replaces asparagine 300 with aspartic acid.
Molecular consequence: missense variant.
Genome position (GRCh38, 1-based): chr11:93,794,946, A>G. VCF-style: chr11-93794946-A-G. GRCh37 (hg19) VCF-style: chr11-93528112-A-G.
Other names: c.898A>G (NM_004268.4); short protein forms N300D.
Identifiers: ClinVar variation 1487594 (VCV001487594.7), dbSNP rs375348736, ClinGen allele CA6232464.

ClinVar aggregate classification (germline): Uncertain significance. Review status: criteria provided, multiple submitters, no conflicts (2 of 4 stars). 2 submissions from 2 submitters: Uncertain significance (2). Last evaluated 2025-04-02.

Conditions:
Inborn genetic diseases. Identifiers: MedGen C0950123, MeSH D030342.

Allele frequency attached by ClinVar (database versions not stated): ESP Exome Variant Server 0.00008; ExAC 0.00001; gnomAD 0.00002; gnomAD exomes 0.00001; TOPMed 0.00002.
gnomAD v4.1: 10 of 1,614,036 alleles (0.00062%); highest among the groups gnomAD compares: Non-Finnish European, 0.00085%; no homozygotes.

Submissions (2):

Ambry Genetics
Classification: Uncertain significance for Inborn genetic diseases. Last evaluated: 2025-04-02. Review status: criteria provided, single submitter. Criteria: Ambry Variant Classification Scheme 2023. Collection method: clinical testing. Allele origin: germline.

Labcorp Genetics (formerly Invitae), Labcorp
Classification: Uncertain significance. Last evaluated: 2024-10-30. Review status: criteria provided, single submitter. Criteria: Invitae Variant Classification Sherloc (09022015). Collection method: clinical testing. Allele origin: germline.
Comment: This sequence change replaces asparagine, which is neutral and polar, with aspartic acid, which is acidic and polar, at codon 300 of the MED17 protein (p.Asn300Asp). This variant is present in population databases (rs375348736, gnomAD 0.002%). This variant has not been reported in the literature in individuals affected with MED17-related conditions. ClinVar contains an entry for this variant (Variation ID: 1487594). Invitae Evidence Modeling of protein sequence and biophysical properties (such as structural, functional, and spatial information, amino acid conservation, physicochemical variation, residue mobility, and thermodynamic stability) indicates that this missense variant is not expected to disrupt MED17 protein function with a negative predictive value of 80%. In summary, the available evidence is currently insufficient to determine the role of this variant in disease. Therefore, it has been classified as a Variant of Uncertain Significance.